The following is an entry in ClinVar:

ClinVar aggregate classification (germline): Uncertain significance (1 of 4 stars; one submission).

Allele frequency attached by ClinVar (database versions not stated): gnomAD 0.00003 and 0.00004; TOPMed 0.00003; gnomAD exomes 0.00007 and 0.00017; ESP Exome Variant Server 0.00015; ExAC 0.00032.
gnomAD v4.1: 121 of 1,601,588 alleles (0.0076%); highest among the groups gnomAD compares: Non-Finnish European, 0.0084%; 2 homozygotes.

Submission:

Labcorp Genetics (formerly Invitae), Labcorp
Classification: Uncertain significance. Last evaluated: 2021-06-23. Review status: criteria provided, single submitter. Criteria: Invitae Variant Classification Sherloc (09022015). Collection method: clinical testing. Allele origin: germline.
Comment: This sequence change replaces serine with glycine at codon 496 of the VARS2 protein (p.Ser496Gly). The serine residue is moderately conserved and there is a small physicochemical difference between serine and glycine. This variant is present in population databases (rs149444062, ExAC 0.06%), including at least one homozygous and/or hemizygous individual. This variant has not been reported in the literature in individuals with VARS2-related conditions. Algorithms developed to predict the effect of missense changes on protein structure and function are either unavailable or do not agree on the potential impact of this missense change (SIFT: "Deleterious"; PolyPhen-2: "Probably Damaging"; Align-GVGD: "Class C0"). Algorithms developed to predict the effect of sequence changes on RNA splicing suggest that this variant may disrupt the consensus splice site, but this prediction has not been confirmed by published transcriptional studies. In summary, the available evidence is currently insufficient to determine the role of this variant in disease. Therefore, it has been classified as a Variant of Uncertain Significance.

NM_020442.6(VARS2):c.1396A>G (p.Ser466Gly)

Gene: VARS2 (valyl-tRNA synthetase 2, mitochondrial; plus strand). Cytogenetic location: 6p21.33.
Variant type: single nucleotide variant.
Coding change: c.1396A>G on transcript NM_020442.6 (MANE Select); coding-DNA position 1396, A replaced by G.
Protein change: p.Ser466Gly; replaces serine 466 with glycine.
Molecular consequence: missense variant.
Genome position (GRCh38, 1-based): chr6:30,920,435, A>G. VCF-style: chr6-30920435-A-G. GRCh37 (hg19) VCF-style: chr6-30888212-A-G.
Other names: c.976A>G, p.Ser326Gly (NM_001167733.3); c.1486A>G, p.Ser496Gly (NM_001167734.2); short protein forms S326G, S466G, S496G.
Identifiers: ClinVar variation 1501822 (VCV001501822.8), dbSNP rs149444062, ClinGen allele CA3705889.